The following is an entry in ClinVar:

ClinVar aggregate classification (germline): Pathogenic/Likely pathogenic. Review status: criteria provided, multiple submitters, no conflicts (2 of 4 stars). 3 submissions from 3 submitters: Pathogenic (2); Likely pathogenic (1). Last evaluated 2024-01-21.

Conditions:
Arthrogryposis multiplex congenita 6. Identifiers: MedGen C5543431, MONDO:0030281, OMIM 619334.
Nemaline myopathy 2 (NEM2). Also called: Nemaline myopathy 2, autosomal recessive. Identifiers: MedGen C1850569, MONDO:0009725, OMIM 256030.

Allele frequency attached by ClinVar (database versions not stated): gnomAD exomes below 0.00001; ExAC 0.00001; gnomAD 0.00001.

Submissions (3):

Baylor Genetics
Classification: Likely pathogenic for Arthrogryposis multiplex congenita 6. Last evaluated: 2024-01-21. Review status: criteria provided, single submitter. Criteria: ACMG Guidelines, 2015. Collection method: clinical testing. Allele origin: unknown.

Labcorp Genetics (formerly Invitae), Labcorp
Classification: Pathogenic for Nemaline myopathy 2. Last evaluated: 2020-09-10. Review status: criteria provided, single submitter. Criteria: Invitae Variant Classification Sherloc (09022015). Collection method: clinical testing. Allele origin: germline.
Comment: This sequence change creates a premature translational stop signal (p.Val7868Phefs*10) in the NEB gene. It is expected to result in an absent or disrupted protein product. This variant is present in population databases (rs762780413, ExAC 0.002%). This variant has not been reported in the literature in individuals with NEB-related conditions. ClinVar contains an entry for this variant (Variation ID: 594174). Loss-of-function variants in NEB are known to be pathogenic (PMID: 25205138). For these reasons, this variant has been classified as Pathogenic.

Eurofins Ntd Llc (ga)
Classification: Pathogenic. Last evaluated: 2017-09-29. Review status: criteria provided, single submitter. Criteria: EGL Classification Definitions 2015. Collection method: clinical testing. Allele origin: germline. Observed: 1 variant allele, 1 heterozygote.

Literature cited by the submitters: PubMed 25205138 (cited by Labcorp Genetics (formerly Invitae), Labcorp).

NM_001164508.2(NEB):c.23496_23499del (p.Val7833fs)

Genes: NEB (nebulin; minus strand), RIF1 (replication timing regulatory factor 1; plus strand). Cytogenetic location: 2q23.3.
Variant type: Deletion.
Coding change: c.23496_23499del on transcript NM_001164508.2 (MANE Select); coding-DNA positions 23496 to 23499, 4 bases deleted (AGTT; older notation c.23496_23499delAGTT).
Protein change: p.Val7833fs; shifts the reading frame from valine 7833.
Molecular consequence: frameshift variant.
Genome position (GRCh38, 1-based): chr2:151,506,966-151,506,969, AACT deleted on the plus strand (AGTT on the coding strand, the reverse complement: NEB is on the minus strand). VCF-style (leftmost placement, unchanged base first): chr2-151506965-CAACT-C. GRCh37 (hg19) VCF-style: chr2-152363479-CAACT-C.
Other names: c.23601_23604del (NM_001271208.1); c.23496_23499del, p.Val7833fs (NM_001164507.2); c.23601_23604del, p.Val7868fs (NM_001271208.2); c.18393_18396del, p.Val6132fs (NM_004543.5); short protein forms V7868fs, V6132fs, V7833fs.
Identifiers: ClinVar variation 594174 (VCV000594174.13), dbSNP rs762780413, ClinGen allele CA1906340.
Genomic context (GRCh38, chr2:151,506,965, plus strand): 5'-ATACCGAGCTGAAATTCTTCTGATTTTCTTTTACACGCAGTATTTCTGGCGTGTCTTGAA[CAACT>C]GTAATTTTTCCTTTACTGTTTTTAAGGTCACACTGGTATTGGAGCTATGAAGAAAGAGTA-3'